The following is an entry in ClinVar:

ClinVar aggregate classification (germline): Uncertain significance (1 of 4 stars; one submission).

Conditions:
Inborn genetic diseases. Identifiers: MedGen C0950123, MeSH D030342.

Submission:

Ambry Genetics
Classification: Uncertain significance for Inborn genetic diseases. Last evaluated: 2025-07-14. Review status: criteria provided, single submitter. Criteria: Ambry Variant Classification Scheme 2023. Collection method: clinical testing. Allele origin: germline.
Comment: The p.P245R variant (also known as c.734C>G), located in coding exon 5 of the KDM1A gene, results from a C to G substitution at nucleotide position 734. The proline at codon 245 is replaced by arginine, an amino acid with dissimilar properties. This amino acid position is conserved. In addition, this alteration is predicted to be deleterious by in silico analysis. Based on the available evidence, the clinical significance of this variant remains unclear.

NM_001009999.3(KDM1A):c.734C>G (p.Pro245Arg)

Gene: KDM1A (lysine demethylase 1A; plus strand). Cytogenetic location: 1p36.12.
Variant type: single nucleotide variant.
Coding change: c.734C>G on transcript NM_001009999.3 (MANE Select); coding-DNA position 734, C replaced by G.
Protein change: p.Pro245Arg; replaces proline 245 with arginine.
Molecular consequence: missense variant.
Genome position (GRCh38, 1-based): chr1:23,053,783, C>G. VCF-style: chr1-23053783-C-G. GRCh37 (hg19) VCF-style: chr1-23380276-C-G.
Other names: c.674C>G, p.Pro225Arg (NM_001363654.2, NM_001410763.1, NM_015013.4); c.734C>G, p.Pro245Arg (NM_001410762.1); short protein forms P225R, P245R.
Identifiers: ClinVar variation 4091063 (VCV004091063.1).